The following is an entry in ClinVar:

ClinVar aggregate classification (germline): Uncertain significance. Review status: criteria provided, multiple submitters, no conflicts (2 of 4 stars). 2 submissions from 2 submitters: Uncertain significance (2). Last evaluated 2025-11-11.

Conditions:
Inborn genetic diseases. Identifiers: MedGen C0950123, MeSH D030342.

Allele frequency attached by ClinVar (database versions not stated): ExAC 0.00001; gnomAD exomes below 0.00001.
gnomAD v4.1: 4 of 1,614,076 alleles (0.00025%); highest among the groups gnomAD compares: Non-Finnish European, 0.00025%; no homozygotes.

Submissions (2):

Ambry Genetics
Classification: Uncertain significance for Inborn genetic diseases. Last evaluated: 2025-11-11. Review status: criteria provided, single submitter. Criteria: Ambry Variant Classification Scheme 2023. Collection method: clinical testing. Allele origin: germline.

Labcorp Genetics (formerly Invitae), Labcorp
Classification: Uncertain significance. Last evaluated: 2022-09-07. Review status: criteria provided, single submitter. Criteria: Invitae Variant Classification Sherloc (09022015). Collection method: clinical testing. Allele origin: germline.
Comment: This sequence change replaces arginine, which is basic and polar, with cysteine, which is neutral and slightly polar, at codon 2158 of the COL7A1 protein (p.Arg2158Cys). This variant is present in population databases (rs745851807, gnomAD 0.0009%). This variant has not been reported in the literature in individuals affected with COL7A1-related conditions. ClinVar contains an entry for this variant (Variation ID: 1424551). Advanced modeling of protein sequence and biophysical properties (such as structural, functional, and spatial information, amino acid conservation, physicochemical variation, residue mobility, and thermodynamic stability) performed at Invitae indicates that this missense variant is expected to disrupt COL7A1 protein function. In summary, the available evidence is currently insufficient to determine the role of this variant in disease. Therefore, it has been classified as a Variant of Uncertain Significance.

NM_000094.4(COL7A1):c.6472C>T (p.Arg2158Cys)

Gene: COL7A1 (collagen type VII alpha 1 chain; minus strand). Cytogenetic location: 3p21.31.
Variant type: single nucleotide variant.
Coding change: c.6472C>T on transcript NM_000094.4 (MANE Select); coding-DNA position 6472, C replaced by T.
Protein change: p.Arg2158Cys; replaces arginine 2158 with cysteine.
Molecular consequence: missense variant.
Genome position (GRCh38, 1-based): chr3:48,574,291, G>A on the plus strand (C>T on the coding strand, the complement: COL7A1 is on the minus strand). VCF-style: chr3-48574291-G-A. GRCh37 (hg19) VCF-style: chr3-48611724-G-A.
Other names: c.6472C>T (NM_000094.3); short protein forms R2158C.
Identifiers: ClinVar variation 1424551 (VCV001424551.6), dbSNP rs745851807, ClinGen allele CA2379016.
Genomic context (GRCh38, chr3:48,574,291, plus strand): 5'-CCTGGGGCCAGGTGCTTCAGCCACCACTCACCGGCTTCCCTTCAGGCCCAGCCATACCAC[G>A]CTCTCCTGGTAGACCCTGCAGAGAATAGGTTTAAGGCCTTAGTTTCCCAGTTCCAACTTC-3'
Protein context (NP_000085.1, residues 2148-2168): QDGNPGLPGE[Arg2158Cys]GMAGPEGKPG